The following is an entry in ClinVar:

ClinVar aggregate classification (germline): Uncertain significance. Review status: criteria provided, multiple submitters, no conflicts (2 of 4 stars). 2 submissions from 2 submitters: Uncertain significance (2). Last evaluated 2025-08-31.

Conditions:
Acute myeloid leukemia (AML). Also called: Acute myeloid leukemia, adult; AML adult; Acute non-lymphocytic leukemia; Acute granulocytic leukemia; Leukemia, acute myelogenous, somatic; Leukemia, acute myeloid, somatic. Identifiers: Orphanet 519, MedGen C0023467, MeSH D015470, MONDO:0018874, OMIM 601626, HP:0004808. Disease mechanism: Constitutively activated FLT3.
Inborn genetic diseases. Identifiers: MedGen C0950123, MeSH D030342.

Submissions (2):

Labcorp Genetics (formerly Invitae), Labcorp
Classification: Uncertain significance for Acute myeloid leukemia. Last evaluated: 2025-08-31. Review status: criteria provided, single submitter. Criteria: Invitae Variant Classification Sherloc (09022015). Collection method: clinical testing. Allele origin: germline.
Comment: This sequence change replaces glutamic acid, which is acidic and polar, with aspartic acid, which is acidic and polar, at codon 57 of the CEBPA protein (p.Glu57Asp). This variant is not present in population databases (gnomAD no frequency). This variant has not been reported in the literature in individuals affected with CEBPA-related conditions. ClinVar contains an entry for this variant (Variation ID: 952466). Invitae Evidence Modeling of protein sequence and biophysical properties (such as structural, functional, and spatial information, amino acid conservation, physicochemical variation, residue mobility, and thermodynamic stability) indicates that this missense variant is not expected to disrupt CEBPA protein function with a negative predictive value of 80%. In summary, the available evidence is currently insufficient to determine the role of this variant in disease. Therefore, it has been classified as a Variant of Uncertain Significance.

Ambry Genetics
Classification: Uncertain significance for Inborn genetic diseases. Last evaluated: 2024-11-22. Review status: criteria provided, single submitter. Criteria: Ambry Variant Classification Scheme 2023. Collection method: clinical testing. Allele origin: germline.
Comment: The p.E57D variant (also known as c.171G>C), located in coding exon 1 of the CEBPA gene, results from a G to C substitution at nucleotide position 171. The glutamic acid at codon 57 is replaced by aspartic acid, an amino acid with highly similar properties. This amino acid position is conserved. In addition, this alteration is predicted to be tolerated by in silico analysis. Based on the available evidence, the clinical significance of this variant remains unclear.

NM_004364.5(CEBPA):c.171G>C (p.Glu57Asp)

Gene: CEBPA (CCAAT enhancer binding protein alpha; minus strand). Cytogenetic location: 19q13.11.
Variant type: single nucleotide variant.
Coding change: c.171G>C on transcript NM_004364.5 (MANE Select); coding-DNA position 171, G replaced by C.
Protein change: p.Glu57Asp; replaces glutamic acid 57 with aspartic acid.
Molecular consequence: missense variant. On other transcripts: 5 prime UTR variant (1).
Genome position (GRCh38, 1-based): chr19:33,302,244, C>G on the plus strand (G>C on the coding strand, the complement: CEBPA is on the minus strand). VCF-style: chr19-33302244-C-G. GRCh37 (hg19) VCF-style: chr19-33793150-C-G.
Other names: c.-187G>C (NM_001285829.2); c.276G>C, p.Glu92Asp (NM_001287424.2); c.129G>C, p.Glu43Asp (NM_001287435.2); c.171G>C (NM_004364.3); short protein forms E57D, E43D, E92D.
Identifiers: ClinVar variation 952466 (VCV000952466.9), dbSNP rs1967195766, ClinGen allele CA405275531.
Genomic context (GRCh38, chr19:33,302,244, plus strand): 5'-GAACTCGTCGTTGAAGGCGGCCGGGTCGATGTAGGCGCTGATGTCGATGGACGTCTCGTG[C>G]TCGCAGATGCCGCCCAGCGGCTCCGGGGCGGCAGGTGGGGCGGGAGGCTGCGCGGGGCCC-3'
Protein context (NP_004355.2, residues 47-67): AAPEPLGGIC[Glu57Asp]HETSIDISAY